The following is an entry in ClinVar:

ClinVar aggregate classification (germline): Uncertain significance (1 of 4 stars; one submission).

Allele frequency attached by ClinVar (database versions not stated): gnomAD exomes below 0.00001.
gnomAD v4.1: 1 of 1,550,920 alleles (0.000064%); highest among the groups gnomAD compares: Non-Finnish European, 0.000088%; no homozygotes.

Submission:

Labcorp Genetics (formerly Invitae), Labcorp
Classification: Uncertain significance. Last evaluated: 2022-06-05. Review status: criteria provided, single submitter. Criteria: Invitae Variant Classification Sherloc (09022015). Collection method: clinical testing. Allele origin: germline.
Comment: This sequence change replaces methionine, which is neutral and non-polar, with valine, which is neutral and non-polar, at codon 4042 of the ADGRV1 protein (p.Met4042Val). This variant is not present in population databases (gnomAD no frequency). In summary, the available evidence is currently insufficient to determine the role of this variant in disease. Therefore, it has been classified as a Variant of Uncertain Significance. Algorithms developed to predict the effect of sequence changes on RNA splicing suggest that this variant may create or strengthen a splice site. Algorithms developed to predict the effect of missense changes on protein structure and function (SIFT, PolyPhen-2, Align-GVGD) all suggest that this variant is likely to be tolerated. This variant has not been reported in the literature in individuals affected with ADGRV1-related conditions.

NM_032119.4(ADGRV1):c.12124A>G (p.Met4042Val)

Gene: ADGRV1 (adhesion G protein-coupled receptor V1; plus strand). Cytogenetic location: 5q14.3.
Variant type: single nucleotide variant.
Coding change: c.12124A>G on transcript NM_032119.4 (MANE Select); coding-DNA position 12124, A replaced by G.
Protein change: p.Met4042Val; replaces methionine 4042 with valine.
Molecular consequence: missense variant. On other transcripts: non-coding transcript variant (1).
Genome position (GRCh38, 1-based): chr5:90,763,308, A>G. VCF-style: chr5-90763308-A-G. GRCh37 (hg19) VCF-style: chr5-90059125-A-G.
Other names: short protein forms M4042V.
Identifiers: ClinVar variation 1921721 (VCV001921721.5), dbSNP rs2531713695, ClinGen allele CA360377018.